The following is an entry in ClinVar:

NM_001385641.1(SAMD11):c.1474+1G>A

Gene: SAMD11 (sterile alpha motif domain containing 11; plus strand). Cytogenetic location: 1p36.33.
Variant type: single nucleotide variant.
Coding change: c.1474+1G>A on transcript NM_001385641.1 (MANE Select); the canonical splice donor site of the intron after coding-DNA position 1474, G replaced by A.
Molecular consequence: splice donor variant.
Genome position (GRCh38, 1-based): chr1:942,252, G>A. VCF-style: chr1-942252-G-A. GRCh37 (hg19) VCF-style: chr1-877632-G-A.
Other names: c.1477+1G>A (NM_001385640.1); c.985+1G>A (NM_152486.4).
Identifiers: ClinVar variation 2117398 (VCV002117398.4), dbSNP rs754807700, ClinGen allele CA502913.

ClinVar aggregate classification (germline): Uncertain significance (1 of 4 stars; one submission).

Allele frequency attached by ClinVar (database versions not stated): gnomAD exomes 0.00001; ExAC 0.00012.
gnomAD v4.1: 7 of 1,239,610 alleles (0.00056%); highest among the groups gnomAD compares: East Asian, 0.003%; no homozygotes.

Submission:

Labcorp Genetics (formerly Invitae), Labcorp
Classification: Uncertain significance. Last evaluated: 2022-03-26. Review status: criteria provided, single submitter. Criteria: Invitae Variant Classification Sherloc (09022015). Collection method: clinical testing. Allele origin: germline.
Comment: This sequence change affects a donor splice site in intron 9 of the SAMD11 gene. It is expected to disrupt RNA splicing. Variants that disrupt the donor or acceptor splice site typically lead to a loss of protein function (PMID: 16199547), however the current clinical and genetic evidence is not sufficient to establish whether loss-of-function variants in SAMD11 cause disease. The frequency data for this variant in the population databases is considered unreliable, as metrics indicate poor data quality at this position in the gnomAD database. This variant has not been reported in the literature in individuals affected with SAMD11-related conditions. Algorithms developed to predict the effect of sequence changes on RNA splicing suggest that this variant may disrupt the consensus splice site. In summary, the available evidence is currently insufficient to determine the role of this variant in disease. Therefore, it has been classified as a Variant of Uncertain Significance.

Literature cited by the submitters: PubMed 16199547.